The following is an entry in ClinVar:

ClinVar aggregate classification (germline): Uncertain significance (1 of 4 stars; one submission).

Submission:

Labcorp Genetics (formerly Invitae), Labcorp
Classification: Uncertain significance. Last evaluated: 2024-04-22. Review status: criteria provided, single submitter. Criteria: Invitae Variant Classification Sherloc (09022015). Collection method: clinical testing. Allele origin: germline.
Comment: This sequence change replaces alanine, which is neutral and non-polar, with threonine, which is neutral and polar, at codon 895 of the COL2A1 protein (p.Ala895Thr). This variant is not present in population databases (gnomAD no frequency). This variant has not been reported in the literature in individuals affected with COL2A1-related conditions. Advanced modeling of protein sequence and biophysical properties (such as structural, functional, and spatial information, amino acid conservation, physicochemical variation, residue mobility, and thermodynamic stability) performed at Invitae indicates that this missense variant is not expected to disrupt COL2A1 protein function with a negative predictive value of 80%. In summary, the available evidence is currently insufficient to determine the role of this variant in disease. Therefore, it has been classified as a Variant of Uncertain Significance.

NM_001844.5(COL2A1):c.2683G>A (p.Ala895Thr)

Gene: COL2A1 (collagen type II alpha 1 chain; minus strand). Cytogenetic location: 12q13.11.
Variant type: single nucleotide variant.
Coding change: c.2683G>A on transcript NM_001844.5 (MANE Select); coding-DNA position 2683, G replaced by A.
Protein change: p.Ala895Thr; replaces alanine 895 with threonine.
Molecular consequence: missense variant.
Genome position (GRCh38, 1-based): chr12:47,979,561, C>T on the plus strand (G>A on the coding strand, the complement: COL2A1 is on the minus strand). VCF-style: chr12-47979561-C-T. GRCh37 (hg19) VCF-style: chr12-48373344-C-T.
Other names: c.2476G>A, p.Ala826Thr (NM_033150.3); short protein forms A826T, A895T.
Identifiers: ClinVar variation 3617228 (VCV003617228.2).
Genomic context (GRCh38, chr12:47,979,561, plus strand): 5'-CATCACTTACATTGGAGCCTGGGGGTCCAACGCGGCCAGCAGCTCCAGGGAATCCAGTGG[C>T]TCCCTGTGTGGGGAGAGGAGAGCCCCTGAGAACCTCAAGCCCTCAGGAGGTTTGAGATTA-3'
Protein context (NP_001835.3, residues 885-905): GARGAQGPPG[Ala895Thr]TGFPGAAGRV